The following is an entry in ClinVar:

ClinVar aggregate classification (germline): Likely benign. Review status: criteria provided, multiple submitters, no conflicts (2 of 4 stars). 2 submissions from 2 submitters: Likely benign (2). Last evaluated 2026-02-10.

Conditions:
PRKAG2-related disorder. Also called: PRKAG2-related disorders; PRKAG2-related condition.
Lethal congenital glycogen storage disease of heart. Also called: PHOSPHORYLASE KINASE DEFICIENCY OF HEART; GLYCOGEN STORAGE DISEASE OF HEART. Identifiers: Orphanet 439854, MedGen C1849813, MONDO:0009867, OMIM 261740.

Submissions (2):

PreventionGenetics, part of Exact Sciences
Classification: Likely benign for PRKAG2-related condition. Last evaluated: 2026-02-10. Review status: criteria provided, single submitter. Criteria: ACMG Guidelines, 2015. Collection method: clinical testing. Allele origin: germline.
Comment: This variant is classified as likely benign based on ACMG/AMP sequence variant interpretation guidelines (Richards et al. 2015 PMID: 25741868, with internal and published modifications).

Labcorp Genetics (formerly Invitae), Labcorp
Classification: Likely benign for Lethal congenital glycogen storage disease of heart. Last evaluated: 2025-09-26. Review status: criteria provided, single submitter. Criteria: Invitae Variant Classification Sherloc (09022015). Collection method: clinical testing. Allele origin: germline.

NM_016203.4(PRKAG2):c.685-19TCC[3]

Genes: PRKAG2 (protein kinase AMP-activated non-catalytic subunit gamma 2; minus strand), LOC129999660 (ATAC-STARR-seq lymphoblastoid silent region 18823; plus strand). Cytogenetic location: 7q36.1.
Variant type: Microsatellite.
Coding change: c.685-19TCC[3] on transcript NM_016203.4 (MANE Select); three copies in a row of the 3-base unit TCC starting at c.685-19; the reference has four copies in a row; one copy, 3 bases deleted.
Molecular consequence: intron variant. On other transcripts: 5 prime UTR variant (1).
Genome position (GRCh38, 1-based): chr7:151,632,146-151,632,148, GGA deleted on the plus strand (TCC on the coding strand, the reverse complement: PRKAG2 is on the minus strand); deleting any 3 consecutive bases within chr7:151,632,146-151,632,157 gives the same sequence; the position shown is the placement nearest the transcript's 3' end. VCF-style (leftmost placement, unchanged base first): chr7-151632145-GGGA-G. GRCh37 (hg19) VCF-style: chr7-151329231-GGGA-G.
Other names: c.-58_-56TCC[3] (NM_001407035.1, NM_001407036.1, NM_001407040.1); c.-58TCC[3] (NM_024429.2); c.553-19TCC[3] (NM_001040633.2); c.313-19TCC[3] (NM_001304527.2, NM_001363698.2); c.-39-19TCC[3] (NM_001304531.2); c.685-10_685-8delTCC (NM_016203.3).
Identifiers: ClinVar variation 2170907 (VCV002170907.5), dbSNP rs1265462032, ClinGen allele CA578725068.